The following is an entry in ClinVar:

ClinVar aggregate classification (germline): Uncertain significance (1 of 4 stars; one submission).

Conditions:
Hereditary cancer-predisposing syndrome. Also called: Tumor predisposition; Neoplastic Syndromes, Hereditary; Hereditary neoplastic syndrome; Hereditary Cancer Syndrome. Identifiers: Orphanet 140162, MedGen C0027672, MeSH D009386, MONDO:0015356.

Submission:

Labcorp Genetics (formerly Invitae), Labcorp
Classification: Uncertain significance for Hereditary cancer-predisposing syndrome. Last evaluated: 2019-10-29. Review status: criteria provided, single submitter. Criteria: Invitae Variant Classification Sherloc (09022015). Collection method: clinical testing. Allele origin: germline.
Comment: This sequence change replaces glutamic acid with lysine at codon 524 of the RAD50 protein (p.Glu524Lys). The glutamic acid residue is moderately conserved and there is a small physicochemical difference between glutamic acid and lysine. This variant is not present in population databases (ExAC no frequency). This variant has not been reported in the literature in individuals with RAD50-related conditions. Algorithms developed to predict the effect of missense changes on protein structure and function are either unavailable or do not agree on the potential impact of this missense change (SIFT: "Tolerated"; PolyPhen-2: "Possibly Damaging"; Align-GVGD: "Class C0"). In summary, the available evidence is currently insufficient to determine the role of this variant in disease. Therefore, it has been classified as a Variant of Uncertain Significance.

NM_005732.4(RAD50):c.1570G>A (p.Glu524Lys)

Gene: RAD50 (RAD50 double strand break repair protein; plus strand). Cytogenetic location: 5q31.1.
Variant type: single nucleotide variant.
Coding change: c.1570G>A on transcript NM_005732.4 (MANE Select); coding-DNA position 1570, G replaced by A.
Protein change: p.Glu524Lys; replaces glutamic acid 524 with lysine.
Molecular consequence: missense variant.
Genome position (GRCh38, 1-based): chr5:132,591,341, G>A. VCF-style: chr5-132591341-G-A. GRCh37 (hg19) VCF-style: chr5-131927033-G-A.
Other names: short protein forms E524K.
Identifiers: ClinVar variation 848354 (VCV000848354.10), dbSNP rs767738476, ClinGen allele CA360945936.